The following is an entry in ClinVar:

NM_000969.5(RPL5):c.235T>A (p.Tyr79Asn)

Genes: DIPK1A (divergent protein kinase domain 1A; minus strand), RPL5 (ribosomal protein L5; plus strand). Cytogenetic location: 1p22.1.
Variant type: single nucleotide variant.
Coding change: c.235T>A on transcript NM_000969.5 (MANE Select); coding-DNA position 235, T replaced by A.
Protein change: p.Tyr79Asn; replaces tyrosine 79 with asparagine.
Molecular consequence: missense variant. On other transcripts: non-coding transcript variant (1), intron variant (1).
Genome position (GRCh38, 1-based): chr1:92,834,824, T>A. VCF-style: chr1-92834824-T-A. GRCh37 (hg19) VCF-style: chr1-93300381-T-A.
Other names: c.475-1790A>T (NM_001252273.2); short protein forms Y79N.
Identifiers: ClinVar variation 958258 (VCV000958258.12), dbSNP rs1043234543, ClinGen allele CA26757855.

ClinVar aggregate classification (germline): Uncertain significance. Review status: criteria provided, multiple submitters, no conflicts (2 of 4 stars). 2 submissions from 2 submitters: Uncertain significance (2). Last evaluated 2024-05-28.

Conditions:
Diamond-Blackfan anemia 6 (DBA6). Also called: RPL5-Related Diamond-Blackfan Anemia. Identifiers: Orphanet 124, MedGen C2931850, MONDO:0012937, OMIM 612561.
Diamond-Blackfan anemia. Also called: Blackfan Diamond syndrome; Aregenerative anemia chronic congenital; Red cell aplasia, pure hereditary; Congenital hypoplastic anemia; Aase syndrome. Identifiers: Orphanet 124, MedGen C1260899, MeSH D029503, MONDO:0015253, HP:0004810.

Allele frequency attached by ClinVar (database versions not stated): TOPMed 0.00002; gnomAD 0.00001; gnomAD exomes 0.00001.
gnomAD v4.1: 6 of 1,612,264 alleles (0.00037%); highest among the groups gnomAD compares: Admixed American, 0.0017%; no homozygotes.

Submissions (2):

Fulgent Genetics
Classification: Uncertain significance for Diamond-Blackfan anemia 6. Last evaluated: 2024-05-28. Review status: criteria provided, single submitter. Criteria: ACMG Guidelines, 2015. Collection method: clinical testing. Allele origin: germline.

Labcorp Genetics (formerly Invitae), Labcorp
Classification: Uncertain significance for Diamond-Blackfan anemia. Last evaluated: 2023-06-14. Review status: criteria provided, single submitter. Criteria: Invitae Variant Classification Sherloc (09022015). Collection method: clinical testing. Allele origin: germline.
Comment: Advanced modeling of protein sequence and biophysical properties (such as structural, functional, and spatial information, amino acid conservation, physicochemical variation, residue mobility, and thermodynamic stability) has been performed at Invitae for this missense variant, however the output from this modeling did not meet the statistical confidence thresholds required to predict the impact of this variant on RPL5 protein function. In summary, the available evidence is currently insufficient to determine the role of this variant in disease. Therefore, it has been classified as a Variant of Uncertain Significance. ClinVar contains an entry for this variant (Variation ID: 958258). This variant has not been reported in the literature in individuals affected with RPL5-related conditions. This variant is not present in population databases (gnomAD no frequency). This sequence change replaces tyrosine, which is neutral and polar, with asparagine, which is neutral and polar, at codon 79 of the RPL5 protein (p.Tyr79Asn).